The following is an entry in ClinVar:

ClinVar aggregate classification (germline): Uncertain significance (1 of 4 stars; one submission).

Submission:

Ambry Genetics
Classification: Uncertain significance. Last evaluated: 2025-09-25. Review status: criteria provided, single submitter. Criteria: Ambry Variant Classification Scheme 2023. Collection method: clinical testing. Allele origin: germline.
Comment: The p.D1352G variant (also known as c.4055A>G), located in coding exon 14 of the CDK12 gene, results from an A to G substitution at nucleotide position 4055. The aspartic acid at codon 1352 is replaced by glycine, an amino acid with similar properties. This amino acid position is conserved. In addition, this alteration is predicted to be deleterious by in silico analysis. Based on the available evidence, the clinical significance of this variant remains unclear.

NM_016507.4(CDK12):c.4055A>G (p.Asp1352Gly)

Gene: CDK12 (cyclin dependent kinase 12; plus strand). Cytogenetic location: 17q12.
Variant type: single nucleotide variant.
Coding change: c.4055A>G on transcript NM_016507.4 (MANE Select); coding-DNA position 4055, A replaced by G.
Protein change: p.Asp1352Gly; replaces aspartic acid 1352 with glycine.
Molecular consequence: missense variant.
Genome position (GRCh38, 1-based): chr17:39,530,898, A>G. VCF-style: chr17-39530898-A-G. GRCh37 (hg19) VCF-style: chr17-37687151-A-G.
Other names: c.4028A>G, p.Asp1343Gly (NM_015083.4); short protein forms D1343G, D1352G.
Identifiers: ClinVar variation 4651327 (VCV004651327.1).